The following is an entry in ClinVar:

NM_002497.4(NEK2):c.289G>T (p.Val97Leu)

Gene: NEK2 (NIMA related kinase 2; minus strand). Cytogenetic location: 1q32.3.
Variant type: single nucleotide variant.
Coding change: c.289G>T on transcript NM_002497.4 (MANE Select); coding-DNA position 289, G replaced by T.
Protein change: p.Val97Leu; replaces valine 97 with leucine.
Molecular consequence: missense variant.
Genome position (GRCh38, 1-based): chr1:211,674,321, C>A on the plus strand (G>T on the coding strand, the complement: NEK2 is on the minus strand). VCF-style: chr1-211674321-C-A. GRCh37 (hg19) VCF-style: chr1-211847663-C-A.
Other names: c.289G>T, p.Val97Leu (NM_001204182.2, NM_001204183.2); short protein forms V97L.
Identifiers: ClinVar variation 2824332 (VCV002824332.3), dbSNP rs1312492844, ClinGen allele CA344784749.

ClinVar aggregate classification (germline): Uncertain significance (1 of 4 stars; one submission).

Allele frequency attached by ClinVar (database versions not stated): gnomAD exomes below 0.00001; TOPMed below 0.00001; gnomAD 0.00001.
gnomAD v4.1: 2 of 1,613,020 alleles (0.00012%); highest among the groups gnomAD compares: East Asian, 0.0045%; no homozygotes.

Submission:

Labcorp Genetics (formerly Invitae), Labcorp
Classification: Uncertain significance. Last evaluated: 2022-12-28. Review status: criteria provided, single submitter. Criteria: Invitae Variant Classification Sherloc (09022015). Collection method: clinical testing. Allele origin: germline.
Comment: In summary, the available evidence is currently insufficient to determine the role of this variant in disease. Therefore, it has been classified as a Variant of Uncertain Significance. Algorithms developed to predict the effect of missense changes on protein structure and function output the following: SIFT: "Tolerated"; PolyPhen-2: "Benign"; Align-GVGD: "Class C0". The leucine amino acid residue is found in multiple mammalian species, which suggests that this missense change does not adversely affect protein function. This variant has not been reported in the literature in individuals affected with NEK2-related conditions. This variant is present in population databases (no rsID available, gnomAD 0.06%). This sequence change replaces valine, which is neutral and non-polar, with leucine, which is neutral and non-polar, at codon 97 of the NEK2 protein (p.Val97Leu).